The following continues an entry in ClinVar:

NM_004415.4(DSP):c.5680_5683del (p.Ser1894fs)

Gene: DSP. ClinVar aggregate classification (germline): Pathogenic/Likely pathogenic. Pathogenic (6); Likely pathogenic (4).

Submissions 9 to 11 of 11:

Women's Health and Genetics/Laboratory Corporation of America, LabCorp
Classification: Pathogenic for Familial isolated arrhythmogenic right ventricular dysplasia. Last evaluated: 2023-08-21. Review status: criteria provided, single submitter. Criteria: LabCorp Variant Classification Summary - May 2015. Collection method: clinical testing. Allele origin: germline.
Comment: Variant summary: DSP c.5680_5683delAGTC (p.Ser1894LeufsX34) results in a premature termination codon and is predicted to cause a truncation of the encoded protein, which is a commonly known mechanism for disease. Although the variant is not predicted to cause absence of the protein through nonsense mediated decay, the variant is predicted to disrupt the last 978 amino acids in the protein sequence. Variants downstream of this position have been classified as pathogenic by our laboratory. The variant was absent in 251232 control chromosomes (gnomAD). To our knowledge, no occurrence of c.5680_5683delAGTC in individuals affected with Arrhythmogenic Right Ventricular Dysplasia/Cardiomyopathy and no experimental evidence demonstrating its impact on protein function have been reported. Five ClinVar submitters have assessed the variant since 2014: three classified the variant as likely pathogenic, and two as pathogenic. Based on the evidence outlined above, the variant was classified as pathogenic.

ARUP Laboratories, Molecular Genetics and Genomics, ARUP Laboratories
Classification: Likely pathogenic. Last evaluated: 2022-05-04. Review status: criteria provided, single submitter. Criteria: ARUP Molecular Germline Variant Investigation Process 2021. Collection method: clinical testing. Allele origin: germline.
Comment: The DSP c.5680_5683delAGTC; p.Ser1894LeufsTer34 variant (rs774763657) is reported in the literature in an individual diagnosed with arrhythmogenic right ventricular cardiomyopathy (Ye 2019) and is reported as pathogenic/likely pathogenic in ClinVar (Variation ID: 405232). This variant is found on only three chromosomes in the Genome Aggregation Database (3/251,232 alleles), indicating it is not a common polymorphism. This variant results in a premature termination codon in the last exon of the DSP gene. While this may not lead to nonsense-mediated decay, it is expected to create a truncated protein missing the last 978 amino acids of the normal DSP protein. Truncating variants downstream of c.5680_5683delAGTC are reported in patients with cardiomyopathy and are considered disease-causing (Castelletti 2017, Fressart 2010). Based on available information, the c.5680_5683delAGTC variant is considered to be likely pathogenic. References: Castelletti S et al. Desmoplakin missense and non-missense mutations in arrhythmogenic right ventricular cardiomyopathy: Genotype-phenotype correlation. Int J Cardiol. 2017 Dec 15;249:268-273. Fressart V et al. Desmosomal gene analysis in arrhythmogenic right ventricular dysplasia/cardiomyopathy: spectrum of mutations and clinical impact in practice. Europace. 2010 Jun;12(6):861-8. Ye JZ et al. Reevaluation of genetic variants previously associated with arrhythmogenic right ventricular cardiomyopathy integrating population-based cohorts and proteomics data. Clin Genet. 2019 Dec;96(6):506-514.

PreventionGenetics, part of Exact Sciences
Classification: Pathogenic for DSP-related condition. Last evaluated: 2024-04-12. Review status: no assertion criteria provided. Collection method: clinical testing. Allele origin: germline. Not counted in ClinVar's aggregate classification.
Comment: The DSP c.5680_5683delAGTC variant is predicted to result in a frameshift and premature protein termination (p.Ser1894Leufs*34). This variant was reported in the heterozygous state in an individual with arrhythmogenic cardiomyopathy (Sanford et al. 2024. PubMed ID: 38510230). This variant is reported in 0.0087% of alleles in individuals of Latino descent in gnomAD. Frameshift variants in DSP are expected to be pathogenic. This variant is interpreted as pathogenic.

Literature cited by the submitters: PubMed 11063735 (cited by Labcorp Genetics (formerly Invitae), Labcorp); PubMed 12101406 (cited by Color Diagnostics, LLC DBA Color Health and All of Us Research Program, National Institutes of Health); PubMed 12802069 (cited by Color Diagnostics, LLC DBA Color Health and All of Us Research Program, National Institutes of Health); PubMed 21756917 (cited by Color Diagnostics, LLC DBA Color Health and All of Us Research Program, National Institutes of Health).